The following is an entry in ClinVar:

NM_152564.5(VPS13B):c.4569T>A (p.Tyr1523Ter)

Gene: VPS13B (vacuolar protein sorting 13 homolog B; plus strand). Cytogenetic location: 8q22.2.
Variant type: single nucleotide variant.
Coding change: c.4569T>A on transcript NM_152564.5 (MANE Select); coding-DNA position 4569, T replaced by A.
Protein change: p.Tyr1523Ter; replaces tyrosine 1523 with a stop codon.
Molecular consequence: nonsense.
Genome position (GRCh38, 1-based): chr8:99,511,448, T>A. VCF-style: chr8-99511448-T-A. GRCh37 (hg19) VCF-style: chr8-100523676-T-A.
Other names: c.4644T>A, p.Tyr1548Ter (NM_017890.5); short protein forms Y1523*, Y1548*.
Identifiers: ClinVar variation 943639 (VCV000943639.7), dbSNP rs1361356353, ClinGen allele CA371871917.

ClinVar aggregate classification (germline): Pathogenic (1 of 4 stars; one submission).

Conditions:
Cohen syndrome (COH1). Also called: PEPPER SYNDROME; Cutis verticis gyrata, retinitis pigmentosa, and sensorineural deafness. Identifiers: Orphanet 193, MedGen C0265223, MONDO:0008999, OMIM 216550.

Allele frequency attached by ClinVar (database versions not stated): gnomAD exomes below 0.00001; TOPMed 0.00001; gnomAD 0.00003.
gnomAD v4.1: 8 of 1,613,468 alleles (0.0005%); highest among the groups gnomAD compares: Non-Finnish European, 0.00068%; no homozygotes.

Submission:

Labcorp Genetics (formerly Invitae), Labcorp
Classification: Pathogenic for Cohen syndrome. Last evaluated: 2025-08-15. Review status: criteria provided, single submitter. Criteria: Invitae Variant Classification Sherloc (09022015). Collection method: clinical testing. Allele origin: germline.
Comment: This sequence change creates a premature translational stop signal (p.Tyr1548*) in the VPS13B gene. It is expected to result in an absent or disrupted protein product. Loss-of-function variants in VPS13B are known to be pathogenic (PMID: 15141358, 16648375, 20461111). This variant is present in population databases (no rsID available, gnomAD 0.005%). This variant has not been reported in the literature in individuals affected with VPS13B-related conditions. ClinVar contains an entry for this variant (Variation ID: 943639). For these reasons, this variant has been classified as Pathogenic.

Literature cited by the submitters: PubMed 15141358; PubMed 16648375; PubMed 20461111.